The following is an entry in ClinVar:

NM_005677.4(COLQ):c.450C>T (p.Gly150=)

Gene: COLQ (collagen like tail subunit of asymmetric acetylcholinesterase; minus strand). Cytogenetic location: 3p25.1.
Variant type: single nucleotide variant.
Coding change: c.450C>T on transcript NM_005677.4 (MANE Select); coding-DNA position 450, C replaced by T.
Protein change: p.Gly150=; no amino-acid change (glycine 150 retained).
Molecular consequence: synonymous variant.
Genome position (GRCh38, 1-based): chr3:15,477,141, G>A on the plus strand (C>T on the coding strand, the complement: COLQ is on the minus strand). VCF-style: chr3-15477141-G-A. GRCh37 (hg19) VCF-style: chr3-15518648-G-A.
Other names: c.420C>T, p.Gly140= (NM_080538.2); c.348C>T, p.Gly116= (NM_080539.4); c.450C>T (NM_005677.3).
Identifiers: ClinVar variation 1422396 (VCV001422396.8), dbSNP rs771279997, ClinGen allele CA2276163.

ClinVar aggregate classification (germline): Likely benign. Review status: criteria provided, single submitter (1 of 4 stars). 2 submissions from 2 submitters: Likely benign (1). 1 of the submissions does not count toward it. Last evaluated 2025-02-06.

Conditions:
COLQ-related disorder. Also called: COLQ-related condition.
Congenital myasthenic syndrome 5. Identifiers: Orphanet 590, MedGen C1864233, MONDO:0011281, OMIM 603034.

Allele frequency attached by ClinVar (database versions not stated): gnomAD 0.00001; TOPMed 0.00001; ExAC 0.00003.
gnomAD v4.1: 24 of 1,602,876 alleles (0.0015%); highest among the groups gnomAD compares: Non-Finnish European, 0.002%; no homozygotes.

Submissions (2):

Labcorp Genetics (formerly Invitae), Labcorp
Classification: Likely benign for Congenital myasthenic syndrome 5. Last evaluated: 2025-02-06. Review status: criteria provided, single submitter. Criteria: Invitae Variant Classification Sherloc (09022015). Collection method: clinical testing. Allele origin: germline.

PreventionGenetics, part of Exact Sciences
Classification: Likely benign for COLQ-related condition. Last evaluated: 2023-07-14. Review status: no assertion criteria provided. Collection method: clinical testing. Allele origin: germline. Not counted in ClinVar's aggregate classification.
Comment: This variant is classified as likely benign based on ACMG/AMP sequence variant interpretation guidelines (Richards et al. 2015 PMID: 25741868, with internal and published modifications).